The following is an entry in ClinVar:

NM_002519.3(NPAT):c.4085C>G (p.Ser1362Cys)

Gene: NPAT (nuclear protein, coactivator of histone transcription; minus strand). Cytogenetic location: 11q22.3.
Variant type: single nucleotide variant.
Coding change: c.4085C>G on transcript NM_002519.3 (MANE Select); coding-DNA position 4085, C replaced by G.
Protein change: p.Ser1362Cys; replaces serine 1362 with cysteine.
Molecular consequence: missense variant.
Genome position (GRCh38, 1-based): chr11:108,161,001, G>C on the plus strand (C>G on the coding strand, the complement: NPAT is on the minus strand). VCF-style: chr11-108161001-G-C. GRCh37 (hg19) VCF-style: chr11-108031728-G-C.
Other names: c.4106C>G, p.Ser1369Cys (NM_001321307.1); short protein forms S1369C, S1362C.
Identifiers: ClinVar variation 1737657 (VCV001737657.2), dbSNP rs1257068612, ClinGen allele CA382509402.

ClinVar aggregate classification (germline): Uncertain significance (1 of 4 stars; one submission).

Submission:

Ambry Genetics
Classification: Uncertain significance. Last evaluated: 2021-08-12. Review status: criteria provided, single submitter. Criteria: Ambry Variant Classification Scheme 2023. Collection method: clinical testing. Allele origin: germline.
Comment: The p.S1362C variant (also known as c.4085C>G), located in coding exon 17 of the NPAT gene, results from a C to G substitution at nucleotide position 4085. The serine at codon 1362 is replaced by cysteine, an amino acid with dissimilar properties. This amino acid position is conserved. In addition, this alteration is predicted to be tolerated by in silico analysis. Since supporting evidence is limited at this time, the clinical significance of this alteration remains unclear.